The following is an entry in ClinVar:

ClinVar aggregate classification (germline): Benign/Likely benign. Review status: criteria provided, multiple submitters, no conflicts (2 of 4 stars). 8 submissions from 8 submitters: Benign (1); Likely benign (7). Last evaluated 2026-01-18.

Conditions:
STK11-related disorder. Also called: STK11-related condition.
Hereditary cancer-predisposing syndrome. Also called: Neoplastic Syndromes, Hereditary; Tumor predisposition; Hereditary neoplastic syndrome; Hereditary Cancer Syndrome. Identifiers: Orphanet 140162, MedGen C0027672, MeSH D009386, MONDO:0015356.
Peutz-Jeghers syndrome (PJS). Also called: Peutz-Jeghers polyposis; Periorificial lentiginosis syndrome; POLYPOSIS, HAMARTOMATOUS INTESTINAL; POLYPS-AND-SPOTS SYNDROME. Identifiers: Orphanet 2869, MedGen C0031269, MeSH D010580, MONDO:0008280, OMIM 175200.

Allele frequency attached by ClinVar (database versions not stated): TOPMed below 0.00001; gnomAD 0.00001; gnomAD exomes 0.00001.
gnomAD v4.1: 9 of 1,610,664 alleles (0.00056%); highest among the groups gnomAD compares: East Asian, 0.0022%; no homozygotes.

Submissions (8):

Labcorp Genetics (formerly Invitae), Labcorp
Classification: Likely benign for Peutz-Jeghers syndrome. Last evaluated: 2026-01-18. Review status: criteria provided, single submitter. Criteria: Invitae Variant Classification Sherloc (09022015). Collection method: clinical testing. Allele origin: germline.

PreventionGenetics, part of Exact Sciences
Classification: Likely benign for STK11-related condition. Last evaluated: 2025-09-08. Review status: criteria provided, single submitter. Criteria: ACMG Guidelines, 2015. Collection method: clinical testing. Allele origin: germline.
Comment: This variant is classified as likely benign based on ACMG/AMP sequence variant interpretation guidelines (Richards et al. 2015 PMID: 25741868, with internal and published modifications).

Myriad Genetics, Inc.
Classification: Benign for Peutz-Jeghers syndrome. Last evaluated: 2025-03-28. Review status: criteria provided, single submitter. Criteria: Myriad Autosomal Dominant, Autosomal Recessive and X-Linked Classification Criteria (2023). Collection method: clinical testing. Allele origin: unknown.
Comment: This variant is considered benign. This variant is a silent/synonymous amino acid change and it is not expected to impact splicing.

All of Us Research Program, National Institutes of Health
Classification: Likely benign for Peutz-Jeghers syndrome. Last evaluated: 2024-08-06. Review status: criteria provided, single submitter. Criteria: ACMG Guidelines, 2015. Collection method: clinical testing. Allele origin: germline. Inheritance: Autosomal dominant inheritance. Observed: 4 variant alleles, 4 heterozygotes.
Comment: This study involves interpretation of variants in research participants for the purpose of population health screening. Participant phenotype was not available at the time of variant classification. Additional details can be found in publication PMID: 35346344, PMCID: PMC8962531

Women's Health and Genetics/Laboratory Corporation of America, LabCorp
Classification: Likely benign. Last evaluated: 2024-04-15. Review status: criteria provided, single submitter. Criteria: LabCorp Variant Classification Summary - May 2015. Collection method: clinical testing. Allele origin: germline.

Color Diagnostics, LLC DBA Color Health
Classification: Likely benign for Hereditary cancer-predisposing syndrome. Last evaluated: 2017-10-09. Review status: criteria provided, single submitter. Criteria: ACMG Guidelines, 2015. Collection method: clinical testing. Allele origin: germline.

GeneDx
Classification: Likely benign. Last evaluated: 2016-06-13. Review status: criteria provided, single submitter. Criteria: GeneDx Variant Classification (06012015). Collection method: clinical testing. Allele origin: germline. Affected: yes.
Comment: This variant is considered likely benign or benign based on one or more of the following criteria: it is a conservative change, it occurs at a poorly conserved position in the protein, it is predicted to be benign by multiple in silico algorithms, and/or has population frequency not consistent with disease.

Ambry Genetics
Classification: Likely benign for Hereditary cancer-predisposing syndrome. Last evaluated: 2014-10-27. Review status: criteria provided, single submitter. Criteria: Ambry Variant Classification Scheme 2023. Collection method: clinical testing. Allele origin: germline.

NM_000455.5(STK11):c.1164G>A (p.Lys388=)

Gene: STK11 (serine/threonine kinase 11; plus strand). Cytogenetic location: 19p13.3.
Variant type: single nucleotide variant.
Coding change: c.1164G>A on transcript NM_000455.5 (MANE Select); coding-DNA position 1164, G replaced by A.
Protein change: p.Lys388=; no amino-acid change (lysine 388 retained).
Molecular consequence: synonymous variant.
Genome position (GRCh38, 1-based): chr19:1,226,509, G>A. VCF-style: chr19-1226509-G-A. GRCh37 (hg19) VCF-style: chr19-1226508-G-A.
Identifiers: ClinVar variation 185704 (VCV000185704.34), dbSNP rs786202390, ClinGen allele CA022383.